The following is an entry in ClinVar:

ClinVar aggregate classification (germline): Uncertain significance (1 of 4 stars; one submission).

Conditions:
Cardiovascular phenotype. Identifiers: MedGen CN230736.

Submission:

Ambry Genetics
Classification: Uncertain significance for Cardiovascular phenotype. Last evaluated: 2020-07-23. Review status: criteria provided, single submitter. Criteria: Ambry Variant Classification Scheme 2023. Collection method: clinical testing. Allele origin: germline.
Comment: The p.G8781C variant (also known as c.26341G>T), located in coding exon 105 of the TTN gene, results from a G to T substitution at nucleotide position 26341. The glycine at codon 8781 is replaced by cysteine, an amino acid with highly dissimilar properties. This amino acid position is highly conserved in available vertebrate species. In addition, the in silico prediction for this alteration is inconclusive. Since supporting evidence is limited at this time, the clinical significance of this alteration remains unclear.

NM_001267550.2(TTN):c.53536G>T (p.Gly17846Cys)

Genes: TTN (titin; minus strand), TTN-AS1 (TTN antisense RNA 1; plus strand). Cytogenetic location: 2q31.2.
Variant type: single nucleotide variant.
Coding change: c.53536G>T on transcript NM_001267550.2 (MANE Select); coding-DNA position 53536, G replaced by T.
Protein change: p.Gly17846Cys; replaces glycine 17846 with cysteine.
Molecular consequence: missense variant.
Genome position (GRCh38, 1-based): chr2:178,607,066, C>A on the plus strand (G>T on the coding strand, the complement: TTN is on the minus strand). VCF-style: chr2-178607066-C-A. GRCh37 (hg19) VCF-style: chr2-179471793-C-A.
Other names: c.48613G>T, p.Gly16205Cys (NM_001256850.1); c.26341G>T, p.Gly8781Cys (NM_003319.4); c.45832G>T, p.Gly15278Cys (NM_133378.4); c.26716G>T, p.Gly8906Cys (NM_133432.3); c.26917G>T, p.Gly8973Cys (NM_133437.4); short protein forms G16205C, G8973C, G15278C, G8906C, G17846C, G8781C.
Identifiers: ClinVar variation 1794092 (VCV001794092.2), dbSNP rs1559733949, ClinGen allele CA349563379.